The following is an entry in ClinVar:

ClinVar aggregate classification (germline): Uncertain significance (1 of 4 stars; one submission).

Conditions:
Inborn genetic diseases. Identifiers: MedGen C0950123, MeSH D030342.

Submission:

Ambry Genetics
Classification: Uncertain significance for Inborn genetic diseases. Last evaluated: 2024-06-24. Review status: criteria provided, single submitter. Criteria: Ambry Variant Classification Scheme 2023. Collection method: clinical testing. Allele origin: germline.
Comment: The p.T843N variant (also known as c.2528C>A), located in coding exon 19 of the BUB1B gene, results from a C to A substitution at nucleotide position 2528. The threonine at codon 843 is replaced by asparagine, an amino acid with similar properties. This amino acid position is conserved. In addition, this alteration is predicted to be tolerated by in silico analysis. Based on the available evidence, the clinical significance of this variant remains unclear.

NM_001211.6(BUB1B):c.2528C>A (p.Thr843Asn)

Gene: BUB1B (BUB1 mitotic checkpoint serine/threonine kinase B; plus strand). Cytogenetic location: 15q15.1.
Variant type: single nucleotide variant.
Coding change: c.2528C>A on transcript NM_001211.6 (MANE Select); coding-DNA position 2528, C replaced by A.
Protein change: p.Thr843Asn; replaces threonine 843 with asparagine.
Molecular consequence: missense variant.
Genome position (GRCh38, 1-based): chr15:40,212,641, C>A. VCF-style: chr15-40212641-C-A. GRCh37 (hg19) VCF-style: chr15-40504842-C-A.
Other names: short protein forms T843N.
Identifiers: ClinVar variation 3262283 (VCV003262283.1).